The following is an entry in ClinVar:

ClinVar aggregate classification (germline): Uncertain significance (1 of 4 stars; one submission).

Submission:

Ambry Genetics
Classification: Uncertain significance. Last evaluated: 2021-12-10. Review status: criteria provided, single submitter. Criteria: Ambry Variant Classification Scheme 2023. Collection method: clinical testing. Allele origin: germline.
Comment: The p.D365Y variant (also known as c.1093G>T), located in coding exon 5 of the MNDA gene, results from a G to T substitution at nucleotide position 1093. The aspartic acid at codon 365 is replaced by tyrosine, an amino acid with highly dissimilar properties. This amino acid position is conserved. In addition, the in silico prediction for this alteration is inconclusive. Since supporting evidence is limited at this time, the clinical significance of this alteration remains unclear.

NM_002432.3(MNDA):c.1093G>T (p.Asp365Tyr)

Gene: MNDA (myeloid cell nuclear differentiation antigen; plus strand). Cytogenetic location: 1q23.1.
Variant type: single nucleotide variant.
Coding change: c.1093G>T on transcript NM_002432.3 (MANE Select); coding-DNA position 1093, G replaced by T.
Protein change: p.Asp365Tyr; replaces aspartic acid 365 with tyrosine.
Molecular consequence: missense variant.
Genome position (GRCh38, 1-based): chr1:158,847,833, G>T. VCF-style: chr1-158847833-G-T. GRCh37 (hg19) VCF-style: chr1-158817623-G-T.
Other names: short protein forms D365Y.
Identifiers: ClinVar variation 1790013 (VCV001790013.2), dbSNP rs2526092644, ClinGen allele CA343044414.